The following is an entry in ClinVar:

ClinVar aggregate classification (germline): Uncertain significance. Review status: criteria provided, multiple submitters, no conflicts (2 of 4 stars). 2 submissions from 2 submitters: Uncertain significance (2). Last evaluated 2025-05-18.

gnomAD v4.1: 4 of 1,613,988 alleles (0.00025%); highest among the groups gnomAD compares: African/African-American, 0.0053%; no homozygotes.

Submissions (2):

Labcorp Genetics (formerly Invitae), Labcorp
Classification: Uncertain significance. Last evaluated: 2025-05-18. Review status: criteria provided, single submitter. Criteria: Invitae Variant Classification Sherloc (09022015). Collection method: clinical testing. Allele origin: germline.
Comment: This sequence change replaces proline, which is neutral and non-polar, with threonine, which is neutral and polar, at codon 1205 of the C3 protein (p.Pro1205Thr). This variant is not present in population databases (gnomAD no frequency). This variant has not been reported in the literature in individuals affected with C3-related conditions. ClinVar contains an entry for this variant (Variation ID: 3257421). Invitae Evidence Modeling of protein sequence and biophysical properties (such as structural, functional, and spatial information, amino acid conservation, physicochemical variation, residue mobility, and thermodynamic stability) indicates that this missense variant is not expected to disrupt C3 protein function with a negative predictive value of 80%. In summary, the available evidence is currently insufficient to determine the role of this variant in disease. Therefore, it has been classified as a Variant of Uncertain Significance.

CeGaT Center for Human Genetics Tuebingen
Classification: Uncertain significance. Last evaluated: 2024-07-01. Review status: criteria provided, single submitter. Criteria: CeGaT Center For Human Genetics Tuebingen Variant Classification Criteria Version 2. Collection method: clinical testing. Allele origin: germline. Affected: yes. Observed: 1 variant allele.
Comment: C3: PM2, BP4

NM_000064.4(C3):c.3613C>A (p.Pro1205Thr)

Gene: C3 (complement C3; minus strand). Cytogenetic location: 19p13.3.
Variant type: single nucleotide variant.
Coding change: c.3613C>A on transcript NM_000064.4 (MANE Select); coding-DNA position 3613, C replaced by A.
Protein change: p.Pro1205Thr; replaces proline 1205 with threonine.
Molecular consequence: missense variant.
Genome position (GRCh38, 1-based): chr19:6,686,779, G>T on the plus strand (C>A on the coding strand, the complement: C3 is on the minus strand). VCF-style: chr19-6686779-G-T. GRCh37 (hg19) VCF-style: chr19-6686790-G-T.
Other names: short protein forms P1205T.
Identifiers: ClinVar variation 3257421 (VCV003257421.18).
Genomic context (GRCh38, chr19:6,686,779, plus strand): 5'-CCTTCACCCCTCCAGGCCAACCCTCACCTTTGGCTGTGGTCAGAAATTTGTTAAGAAGAG[G>T]CCCCTTCAGCCTGCCCATCTGGGCCAGAGCATAGCCAGCAATGGCCACAGTGTAGGATCT-3'
Protein context (NP_000055.2, residues 1195-1215): ALAQMGRLKG[Pro1205Thr]LLNKFLTTAK